The following is an entry in ClinVar:

ClinVar aggregate classification (germline): Pathogenic/Likely pathogenic. Review status: criteria provided, multiple submitters, no conflicts (2 of 4 stars). 13 submissions from 12 submitters: Pathogenic (7); Likely pathogenic (1). 5 of the submissions do not count toward it. Last evaluated 2026-09-11.
ClinVar aggregate classification (oncogenicity): Oncogenic (1 of 4 stars; one submission).

Conditions:
Familial thoracic aortic aneurysm and aortic dissection (TAAD). Also called: Thoracic aortic aneurysms and dissections. Identifiers: Orphanet 91387, MedGen C4707243, MONDO:0019625.
Hereditary cancer-predisposing syndrome. Also called: Tumor predisposition; Hereditary Cancer Syndrome; Hereditary neoplastic syndrome; Neoplastic Syndromes, Hereditary. Identifiers: Orphanet 140162, MedGen C0027672, MeSH D009386, MONDO:0015356.
Juvenile polyposis syndrome (JPS). Identifiers: Orphanet 2929, MedGen C0345893, MONDO:0017380, OMIM 174900.
SMAD4-related disorder. Also called: SMAD4-related condition; SMAD4-Related disorders.
Generalized juvenile polyposis/juvenile polyposis coli. Also called: Juvenile polyposis coli. Identifiers: Orphanet 329971, MedGen C1868081, MONDO:0008276.
Juvenile polyposis/hereditary hemorrhagic telangiectasia syndrome (JPHT). Also called: POLYPOSIS, GENERALIZED JUVENILE, WITH PULMONARY ARTERIOVENOUS MALFORMATION; TELANGIECTASIA, HEREDITARY HEMORRHAGIC, WITH JUVENILE POLYPOSIS COLI; Juvenile Polyposis Syndrome / Hereditary Hemorrhagic Telangiectasia (JPS/HHT); JP/HHT SYNDROME; JUVENILE POLYPOSIS WITH HEREDITARY HEMORRHAGIC TELANGIECTASIA. Identifiers: Orphanet 2929, MedGen C1832942, MONDO:0008278, OMIM 175050.
Neoplasm. Also called: Neoplasms; Neoplasm (disease); tumor. Identifiers: MedGen C0027651, MeSH D009369, MONDO:0005070, HP:0002664.

Allele frequency attached by ClinVar (database versions not stated): gnomAD exomes below 0.00001.
gnomAD v4.1: 1 of 1,614,150 alleles (0.000062%); highest among the groups gnomAD compares: Non-Finnish European, 0.000085%; no homozygotes.

Submissions 1 to 7 of 14:

Center for Genomic Medicine, Rigshospitalet, Copenhagen University Hospital
Classification: Oncogenic for Neoplasm. Last evaluated: 2026-10-16. Review status: criteria provided, single submitter. Criteria: ClinGen/CGC/VICC Guidelines for Oncogenicity, 2022. Collection method: clinical testing. Allele origin: somatic. Affected: yes.

Ambry Genetics
Classification: Pathogenic for Hereditary cancer-predisposing syndrome; Familial thoracic aortic aneurysm and aortic dissection. Last evaluated: 2026-09-11. Review status: criteria provided, single submitter. Criteria: Ambry Variant Classification Scheme 2023. Collection method: clinical testing. Allele origin: germline.
Comment: The p.R361C pathogenic mutation (also known as c.1081C>T), located in coding exon 8 of the SMAD4 gene, results from a C to T substitution at nucleotide position 1081. The arginine at codon 361 is replaced by cysteine, an amino acid with highly dissimilar properties. This mutation has been reported in multiple patients with a clinical diagnosis of juvenile polyposis syndrome (JPS) (Houlston R et al. Hum. Mol. Genet. 1998; 7:1907-12, Aretz S et al. J. Med. Genet. 2007; 44:702-9), as well as in multiple patients with combined juvenile polyposis - hereditary hemorrhagic telangiectasia (JP-HHT) syndrome (Gallione C et al. Am. J. Med. Genet. A 2010; 152A:333-9; Jelsig AM et al. Clin Genet. 2016 Jul;90(1):55-62). This alteration has also been reported in a hereditary hemorrhagic telangiectasia (HHT) cohort (Shovlin CL et al. Blood, 2020 10;136:1907-1918). This variant is also considered to be rare based on population cohorts in the Genome Aggregation Database (gnomAD). Multiple other alterations at this same codon (p.R361G, p.R361H, p.R361L, p.R361S) have also been described in individuals with clinical JPS. Based on the supporting evidence, this alteration is interpreted as a disease-causing mutation.

Quest Diagnostics Nichols Institute San Juan Capistrano
Classification: Pathogenic. Last evaluated: 2025-04-03. Review status: criteria provided, single submitter. Criteria: Quest Diagnostics criteria. Collection method: clinical testing. Allele origin: unknown.
Comment: The SMAD4 c.1081C>T (p.Arg361Cys) variant has been reported in the published literature in individuals with juvenile polyposis syndrome (JPS) and/or hereditary hemorrhagic telangiectasia (HHT) (PMIDs: 11583957 (2001), 20101697 (2010), 26572829 (2016), 32573726 (2020), 32944796 (2020), and 38575304 (2024)), as well as in colorectal cancer (PMID: 26488212 (2015)). Functional studies demonstrate that this variant is damaging to protein function (PMIDs: 9214508 (1997), 11583957 (2001), and 26488212 (2015)). This variant has not been reported in large, multi-ethnic general populations (Genome Aggregation Database). Analysis of this variant using bioinformatics tools for the prediction of the effect of amino acid changes on protein structure and function yielded predictions that this variant is damaging. Based on the available information, this variant is classified as pathogenic.

Women's Health and Genetics/Laboratory Corporation of America, LabCorp
Classification: Pathogenic for Juvenile polyposis syndrome. Last evaluated: 2025-04-01. Review status: criteria provided, single submitter. Criteria: LabCorp Variant Classification Summary - May 2015. Collection method: clinical testing. Allele origin: germline.
Comment: Variant summary: SMAD4 c.1081C>T (p.Arg361Cys) results in a non-conservative amino acid change in the encoded protein sequence. Five of five in-silico tools predict a damaging effect of the variant on protein function. The frequency data for this variant in gnomAD is considered unreliable, as metrics indicate poor data quality at this position. c.1081C>T has been reported in the literature in multiple individuals affected with Juvenile Polyposis Syndrome and colorectal cancers (example, Gallione_2006, Lee_2020). These data indicate that the variant is very likely to be associated with disease. A different variant affecting the same codon has been classified as pathogenic by our lab (c.1082G>A, p.Arg361His), supporting the critical relevance of codon 361 to SMAD4 protein function. At least one publication reports experimental evidence evaluating an impact on protein function. The most pronounced variant effect results in abonished expression in patients tissues (Woodford-Richens_2001). The following publications have been ascertained in the context of this evaluation (PMID: 16613914, 32810930, 11583957). ClinVar contains an entry for this variant (Variation ID: 8543). Based on the evidence outlined above, the variant was classified as pathogenic.

Labcorp Genetics (formerly Invitae), Labcorp
Classification: Pathogenic for Juvenile polyposis syndrome. Last evaluated: 2024-12-16. Review status: criteria provided, single submitter. Criteria: Invitae Variant Classification Sherloc (09022015). Collection method: clinical testing. Allele origin: germline.
Comment: This sequence change replaces arginine, which is basic and polar, with cysteine, which is neutral and slightly polar, at codon 361 of the SMAD4 protein (p.Arg361Cys). This variant is not present in population databases (gnomAD no frequency). This missense change has been observed in individuals with juvenile polyposis syndrome (JPS) and/or hereditary hemorrhagic telangiectasia (HHT) (PMID: 9811934, 10764709, 16613914, 17873119, 20101697). ClinVar contains an entry for this variant (Variation ID: 8543). Invitae Evidence Modeling of protein sequence and biophysical properties (such as structural, functional, and spatial information, amino acid conservation, physicochemical variation, residue mobility, and thermodynamic stability) has been performed for this missense variant. However, the output from this modeling did not meet the statistical confidence thresholds required to predict the impact of this variant on SMAD4 protein function. Experimental studies have shown that this missense change affects SMAD4 function (PMID: 9214508, 11583957). This variant disrupts the p.Arg361 amino acid residue in SMAD4. Other variant(s) that disrupt this residue have been determined to be pathogenic (PMID: 10797267, 15031030, 15235019, 20101697, 22316667). This suggests that this residue is clinically significant, and that variants that disrupt this residue are likely to be disease-causing. For these reasons, this variant has been classified as Pathogenic.

Myriad Genetics, Inc.
Classification: Likely pathogenic for Juvenile polyposis/hereditary hemorrhagic telangiectasia syndrome. Last evaluated: 2024-02-09. Review status: criteria provided, single submitter. Criteria: Myriad Autosomal Dominant, Autosomal Recessive and X-Linked Classification Criteria (2023). Collection method: clinical testing. Allele origin: unknown.
Comment: This variant is considered likely pathogenic. Functional studies indicate this variant impacts protein function [PMID: 15799969]. This variant is expected to disrupt protein structure [PMID: 9214508]. This variant has been reported in multiple individuals with clinical features of gene-specific disease [PMID: 10764709, 16613914, 20101697, 17873119, 9811934, 15031030].

Mayo Clinic Laboratories, Mayo Clinic
Classification: Pathogenic. Last evaluated: 2021-06-02. Review status: criteria provided, single submitter. Criteria: ACMG Guidelines, 2015. Collection method: clinical testing. Allele origin: germline.
Comment: PS4, PM6_strong, PM1, PM5, PM2, PP3

NM_005359.6(SMAD4):c.1081C>T (p.Arg361Cys)

Gene: SMAD4 (SMAD family member 4; plus strand). Cytogenetic location: 18q21.2.
Variant type: single nucleotide variant.
Coding change: c.1081C>T on transcript NM_005359.6 (MANE Select); coding-DNA position 1081, C replaced by T.
Protein change: p.Arg361Cys; replaces arginine 361 with cysteine.
Molecular consequence: missense variant.
Genome position (GRCh38, 1-based): chr18:51,065,548, C>T. VCF-style: chr18-51065548-C-T. GRCh37 (hg19) VCF-style: chr18-48591918-C-T.
Other names: short protein forms R361C.
Identifiers: ClinVar variation 8543 (VCV000008543.39), dbSNP rs80338963, ClinGen allele CA128095.
Genomic context (GRCh38, chr18:51,065,548, plus strand): 5'-GTTCCTTCAAGCTGCCCTATTGTTACTGTTGATGGATACGTGGACCCTTCTGGAGGAGAT[C>T]GCTTTTGTTTGGGTCAACTCTCCAATGTCCACAGGACAGAAGCCATTGAGAGAGCAAGGT-3'
Protein context (NP_005350.1, residues 351-371): DGYVDPSGGD[Arg361Cys]FCLGQLSNVH